The following is an entry in ClinVar:

NM_006618.5(KDM5B):c.1454del (p.Pro485fs)

Gene: KDM5B (lysine demethylase 5B; minus strand). Cytogenetic location: 1q32.1.
Variant type: Deletion.
Coding change: c.1454del on transcript NM_006618.5 (MANE Select); coding-DNA position 1454, one base deleted (C; older notation c.1454delC).
Protein change: p.Pro485fs; shifts the reading frame from proline 485.
Molecular consequence: frameshift variant.
Genome position (GRCh38, 1-based): chr1:202,755,355, G deleted on the plus strand (C on the coding strand, the reverse complement: KDM5B is on the minus strand); the first of 2 consecutive G bases (chr1:202,755,355-202,755,356); deleting either gives the same sequence. VCF-style (leftmost placement, unchanged base first): chr1-202755354-AG-A. GRCh37 (hg19) VCF-style: chr1-202724482-AG-A.
Other names: c.1562del, p.Pro521fs (NM_001314042.2); c.1319del, p.Pro440fs (NM_001347591.2); c.1439del, p.Pro480fs (NM_001399817.1); c.1454del (NM_006618.3); short protein forms P440fs, P480fs, P485fs, P521fs.
Identifiers: ClinVar variation 1711236 (VCV001711236.32), dbSNP rs2527536329, ClinGen allele CA1011300208.

ClinVar aggregate classification (germline): Pathogenic/Likely pathogenic. Review status: criteria provided, multiple submitters, no conflicts (2 of 4 stars). 3 submissions from 3 submitters: Pathogenic (2); Likely pathogenic (1). Last evaluated 2023-03-16.

Conditions:
KDM5B-related disorder. Also called: KDM5B-related condition.

Submissions (3):

GeneDx
Classification: Pathogenic. Last evaluated: 2023-03-16. Review status: criteria provided, single submitter. Criteria: GeneDx Variant Classification Process June 2021. Collection method: clinical testing. Allele origin: germline. Affected: yes.
Comment: Frameshift variant predicted to result in protein truncation or nonsense mediated decay in a gene for which loss-of-function is a known mechanism of disease; Not observed at significant frequency in large population cohorts (gnomAD); Has not been previously published as pathogenic or benign to our knowledge

Blueprint Genetics
Classification: Likely pathogenic for KDM5B-related disorders. Last evaluated: 2023-03-10. Review status: criteria provided, single submitter. Criteria: ACMG Guidelines, 2015. Collection method: clinical testing. Allele origin: germline. Affected: yes. Observed: 3 variant alleles.

CeGaT Center for Human Genetics Tuebingen
Classification: Pathogenic. Last evaluated: 2022-08-01. Review status: criteria provided, single submitter. Criteria: CeGaT Center For Human Genetics Tuebingen Variant Classification Criteria Version 2. Collection method: clinical testing. Allele origin: germline. Affected: yes. Observed: 1 variant allele.
Comment: KDM5B: PVS1, PM2